The following is an entry in ClinVar:

NM_001276345.2(TNNT2):c.53-15_53-12del

Gene: TNNT2 (troponin T2, cardiac type; minus strand). Cytogenetic location: 1q32.1.
Variant type: Deletion.
Coding change: c.53-15_53-12del on transcript NM_001276345.2 (MANE Select); 15 bases into the intron before coding-DNA position 53 through 12 bases into the intron before coding-DNA position 53, 4 bases deleted (TTCT; older notation c.53-15_53-12delTTCT).
Molecular consequence: intron variant.
Genome position (GRCh38, 1-based): chr1:201,372,053-201,372,056, AGAA deleted on the plus strand (TTCT on the coding strand, the reverse complement: TNNT2 is on the minus strand). VCF-style (leftmost placement, unchanged base first): chr1-201372052-GAGAA-G. GRCh37 (hg19) VCF-style: chr1-201341180-GAGAA-G.
Other names: c.53-15_53-12del (NM_001406727.1, NM_001406724.1, NM_001406725.1 and 7 more transcripts); c.52+89_52+92del (NM_001001432.3, NM_001406728.1).
Identifiers: ClinVar variation 3071019 (VCV003071019.1), dbSNP rs2527137922, ClinGen allele CA2747347498.

ClinVar aggregate classification (germline): Uncertain significance (1 of 4 stars; one submission).

Conditions:
Cardiomyopathy (CMYO). Also called: Cardiomyopathies. Identifiers: Orphanet 167848, MedGen C0878544, MONDO:0004994, HP:0001638. Inheritance: Various modes of inheritance.

Submission:

All of Us Research Program, National Institutes of Health
Classification: Uncertain significance for Cardiomyopathy. Last evaluated: 2023-05-16. Review status: criteria provided, single submitter. Criteria: ACMG Guidelines, 2015. Collection method: clinical testing. Allele origin: germline. Inheritance: Autosomal dominant inheritance. Observed: 1 variant allele, 1 heterozygote.
Comment: This variant causes a deletion of four nucleotides in intron 3 of the TNNT2 gene. To our knowledge, functional studies have not been reported for this variant. This variant has not been reported in individuals affected with TNNT2-related disorders in the literature. This variant has not been identified in the general population by the Genome Aggregation Database (gnomAD). The available evidence is insufficient to determine the role of this variant in disease conclusively. Therefore, this variant is classified as a Variant of Uncertain Significance.

This study involves interpretation of variants in research participants for the purpose of population health screening. Participant phenotype was not available at the time of variant classification. Additional details can be found in publication PMID: 35346344, PMCID: PMC8962531